The following is an entry in ClinVar:

ClinVar aggregate classification (germline): Benign/Likely benign. Review status: criteria provided, multiple submitters, no conflicts (2 of 4 stars). 5 submissions from 5 submitters: Benign (2); Likely benign (2). 1 of the submissions does not count toward it. Last evaluated 2026-04-27.

Conditions:
GALNT12-related disorder. Also called: GALNT12-related condition.
Colorectal cancer, susceptibility to, 1. Also called: COLORECTAL ADENOMA AND CANCER, SUSCEPTIBILITY TO; COLORECTAL CANCER, SUSCEPTIBILITY TO, ON CHROMOSOME 9. Identifiers: MedGen C1837315, MONDO:0012132, OMIM 608812.

Allele frequency attached by ClinVar (database versions not stated): 1000 Genomes Project 0.00080; TOPMed 0.00025; 1000 Genomes Project 30x 0.00062.
gnomAD v4.1: 430 of 1,613,924 alleles (0.027%); highest among the groups gnomAD compares: East Asian, 0.87%; 3 homozygotes.

Submissions (5):

Myriad Genetics, Inc.
Classification: Benign for Colorectal cancer, susceptibility to, 1. Last evaluated: 2026-04-27. Review status: criteria provided, single submitter. Criteria: Myriad Autosomal Dominant, Autosomal Recessive and X-Linked Classification Criteria (2023). Collection method: clinical testing. Allele origin: unknown.
Comment: This variant is considered benign. This variant is a silent/synonymous amino acid change and it is not expected to impact splicing.

Labcorp Genetics (formerly Invitae), Labcorp
Classification: Benign. Last evaluated: 2025-12-26. Review status: criteria provided, single submitter. Criteria: Invitae Variant Classification Sherloc (09022015). Collection method: clinical testing. Allele origin: germline.

Department of Pathology and Laboratory Medicine, Sinai Health System
Classification: Likely benign for Colorectal cancer, susceptibility to, 1. Last evaluated: 2024-04-10. Review status: criteria provided, single submitter. Criteria: ACMG Guidelines, 2015. Collection method: clinical testing. Allele origin: germline. Affected: yes.

Ambry Genetics
Classification: Likely benign. Last evaluated: 2017-05-16. Review status: criteria provided, single submitter. Criteria: Ambry Variant Classification Scheme 2023. Collection method: clinical testing. Allele origin: germline.

PreventionGenetics, part of Exact Sciences
Classification: Likely benign for GALNT12-related condition. Last evaluated: 2019-08-20. Review status: no assertion criteria provided. Collection method: clinical testing. Allele origin: germline. Not counted in ClinVar's aggregate classification.
Comment: This variant is classified as likely benign based on ACMG/AMP sequence variant interpretation guidelines (Richards et al. 2015 PMID: 25741868, with internal and published modifications).

NM_024642.5(GALNT12):c.1392C>T (p.Pro464=)

Gene: GALNT12 (polypeptide N-acetylgalactosaminyltransferase 12; plus strand). Cytogenetic location: 9q22.33.
Variant type: single nucleotide variant.
Coding change: c.1392C>T on transcript NM_024642.5 (MANE Select); coding-DNA position 1392, C replaced by T.
Protein change: p.Pro464=; no amino-acid change (proline 464 retained).
Molecular consequence: synonymous variant.
Genome position (GRCh38, 1-based): chr9:98,844,143, C>T. VCF-style: chr9-98844143-C-T. GRCh37 (hg19) VCF-style: chr9-101606425-C-T.
Identifiers: ClinVar variation 416223 (VCV000416223.19), dbSNP rs35616709, ClinGen allele CA5154262.